The following is an entry in ClinVar:

NM_006623.4(PHGDH):c.638C>T (p.Thr213Met)

Gene: PHGDH (phosphoglycerate dehydrogenase; plus strand). Cytogenetic location: 1p12.
Variant type: single nucleotide variant.
Coding change: c.638C>T on transcript NM_006623.4 (MANE Select); coding-DNA position 638, C replaced by T.
Protein change: p.Thr213Met; replaces threonine 213 with methionine.
Molecular consequence: missense variant.
Genome position (GRCh38, 1-based): chr1:119,734,761, C>T. VCF-style: chr1-119734761-C-T. GRCh37 (hg19) VCF-style: chr1-120277384-C-T.
Other names: c.638C>T (NM_006623.3); short protein forms T213M.
Identifiers: ClinVar variation 2143664 (VCV002143664.4), dbSNP rs772598618, ClinGen allele CA1037159.

ClinVar aggregate classification (germline): Conflicting classifications of pathogenicity. Review status: criteria provided, conflicting classifications (1 of 4 stars). 3 submissions from 3 submitters: Likely pathogenic (2); Uncertain significance (1). Last evaluated 2026-07-27.

Conditions:
PHGDH deficiency. Identifiers: Orphanet 79351, MedGen C1866174, MONDO:0011152, OMIM 601815.
Neurometabolic disorder due to serine deficiency. Identifiers: Orphanet 35705, MedGen C5680148, MONDO:0018162.

Allele frequency attached by ClinVar (database versions not stated): ExAC 0.00001; gnomAD 0.00001; gnomAD exomes 0.00002.
gnomAD v4.1: 30 of 1,613,946 alleles (0.0019%); highest among the groups gnomAD compares: Non-Finnish European, 0.0024%; no homozygotes.

Submissions (3):

Myriad Genetics, Inc.
Classification: Likely pathogenic for Neurometabolic disorder due to serine deficiency. Last evaluated: 2026-07-27. Review status: criteria provided, single submitter. Criteria: Myriad Autosomal Dominant, Autosomal Recessive and X-Linked Classification Criteria (2023). Collection method: clinical testing. Allele origin: unknown.
Comment: NM_006623.3(PHGDH):c.638C>T(T213M) is a missense variant classified as likely pathogenic in the context of serine deficiency disorder, PHGDH-related. T213M has been observed in cases with relevant disease (PMID: 32579715, 33758422). Relevant functional assessments of this variant are available in the literature (PMID: 33758422, Abdelfattah_2023_(Thesis)). Internal structural analysis of the variant is supportive of pathogenicity. T213M has been observed in referenced population frequency databases. In summary, NM_006623.3(PHGDH):c.638C>T(T213M) is a missense variant that has internal structural support for pathogenicity and has been observed more frequently in cases with the relevant disease than in healthy populations. Please note: this variant was assessed in the context of healthy population screening.

Natera, Inc.
Classification: Likely pathogenic for Phosphoglycerate dehydrogenase deficiency. Last evaluated: 2025-09-22. Review status: criteria provided, single submitter. Criteria: Natera Variant Classification Schema (03/2026). Collection method: clinical testing. Allele origin: germline.
Comment: The c.638C>T variant in PHGDH is a missense variant predicted to cause substitution of threonine to methionine at amino acid 213. This variant is rare in the general population with a frequency below the threshold expected for the associated phenotype(s). This variant has been observed in one or more individuals affected with the associated recessive disease, as either homozygous or compound heterozygous with a second variant (PMID: 32579715). Functional studies show that this variant may disrupt protein function (PMID: 33758422). Computational prediction algorithms indicate this variant is likely to affect gene or protein function. Given the available evidence, this variant is classified as Likely Pathogenic.

Labcorp Genetics (formerly Invitae), Labcorp
Classification: Uncertain significance for PHGDH deficiency. Last evaluated: 2025-04-15. Review status: criteria provided, single submitter. Criteria: Invitae Variant Classification Sherloc (09022015). Collection method: clinical testing. Allele origin: germline.
Comment: This sequence change replaces threonine, which is neutral and polar, with methionine, which is neutral and non-polar, at codon 213 of the PHGDH protein (p.Thr213Met). This variant is present in population databases (rs772598618, gnomAD 0.002%). This missense change has been observed in individual(s) with clinical features of Neu-Laxova syndrome and/or macular telangiectasia (PMID: 32579715, 33758422). ClinVar contains an entry for this variant (Variation ID: 2143664). Invitae Evidence Modeling of protein sequence and biophysical properties (such as structural, functional, and spatial information, amino acid conservation, physicochemical variation, residue mobility, and thermodynamic stability) indicates that this missense variant is expected to disrupt PHGDH protein function with a positive predictive value of 80%. Experimental studies have shown that this missense change affects PHGDH function (PMID: 33758422). In summary, the available evidence is currently insufficient to determine the role of this variant in disease. Therefore, it has been classified as a Variant of Uncertain Significance.

Literature cited by the submitters: PubMed 32579715 (cited by 3 submitters); PubMed 33758422 (cited by 3 submitters).